The following is an entry in ClinVar:

NM_058246.4(DNAJB6):c.970G>A (p.Gly324Ser)

Gene: DNAJB6 (DnaJ heat shock protein family (Hsp40) member B6; plus strand). Cytogenetic location: 7q36.3.
Variant type: single nucleotide variant.
Coding change: c.970G>A on transcript NM_058246.4 (MANE Select); coding-DNA position 970, G replaced by A.
Protein change: p.Gly324Ser; replaces glycine 324 with serine.
Molecular consequence: missense variant.
Genome position (GRCh38, 1-based): chr7:157,416,087, G>A. VCF-style: chr7-157416087-G-A. GRCh37 (hg19) VCF-style: chr7-157208781-G-A.
Other names: c.625G>A, p.Gly209Ser (NM_001363676.1); short protein forms G209S, G324S.
Identifiers: ClinVar variation 1495300 (VCV001495300.6), dbSNP rs1405569854, ClinGen allele CA370167728.

ClinVar aggregate classification (germline): Uncertain significance (1 of 4 stars; one submission).

Conditions:
Autosomal dominant limb-girdle muscular dystrophy type 1D (DNAJB6) (LGMDD1). Also called: MUSCULAR DYSTROPHY, LIMB-GIRDLE, TYPE 1D; MUSCULAR DYSTROPHY, AUTOSOMAL DOMINANT, WITH RIMMED VACUOLES; Autosomal dominant limb-girdle muscular dystrophy type 1D; Muscular dystrophy, limb-girdle, autosomal dominant 1. Identifiers: Orphanet 34516, MedGen C4721885, MONDO:0021018, OMIM 603511.

Allele frequency attached by ClinVar (database versions not stated): TOPMed 0.00002.

Submission:

Labcorp Genetics (formerly Invitae), Labcorp
Classification: Uncertain significance for Autosomal dominant limb-girdle muscular dystrophy type 1D (DNAJB6). Last evaluated: 2022-05-14. Review status: criteria provided, single submitter. Criteria: Invitae Variant Classification Sherloc (09022015). Collection method: clinical testing. Allele origin: germline.
Comment: In summary, the available evidence is currently insufficient to determine the role of this variant in disease. Therefore, it has been classified as a Variant of Uncertain Significance. Algorithms developed to predict the effect of missense changes on protein structure and function are either unavailable or do not agree on the potential impact of this missense change (SIFT: "Tolerated"; PolyPhen-2: "Not Available"; Align-GVGD: "Class C0"). This variant has not been reported in the literature in individuals affected with DNAJB6-related conditions. This variant is not present in population databases (gnomAD no frequency). This sequence change replaces glycine, which is neutral and non-polar, with serine, which is neutral and polar, at codon 324 of the DNAJB6 protein (p.Gly324Ser).